The following is an entry in ClinVar:

NM_033118.4(MYLK2):c.1495T>C (p.Trp499Arg)

Gene: MYLK2 (myosin light chain kinase 2; plus strand). Cytogenetic location: 20q11.21.
Variant type: single nucleotide variant.
Coding change: c.1495T>C on transcript NM_033118.4 (MANE Select); coding-DNA position 1495, T replaced by C.
Protein change: p.Trp499Arg; replaces tryptophan 499 with arginine.
Molecular consequence: missense variant.
Genome position (GRCh38, 1-based): chr20:31,831,773, T>C. VCF-style: chr20-31831773-T-C. GRCh37 (hg19) VCF-style: chr20-30419576-T-C.
Other names: short protein forms W499R.
Identifiers: ClinVar variation 651081 (VCV000651081.9), dbSNP rs1279963761, ClinGen allele CA408528019.

ClinVar aggregate classification (germline): Uncertain significance. Review status: criteria provided, multiple submitters, no conflicts (2 of 4 stars). 2 submissions from 2 submitters: Uncertain significance (2). Last evaluated 2024-07-30.

Conditions:
Hypertrophic cardiomyopathy 1 (CMH1). Also called: Familial hypertrophic cardiomyopathy 1; MYH7-Related Familial Hypertrophic Cardiomyopathy. Identifiers: MedGen C3495498, MONDO:0008647, OMIM 192600.

gnomAD v4.1: 1 of 1,614,076 alleles (0.000062%); highest among the groups gnomAD compares: African/African-American, 0.0013%; no homozygotes.

Submissions (2):

Ambry Genetics
Classification: Uncertain significance. Last evaluated: 2024-07-30. Review status: criteria provided, single submitter. Criteria: Ambry Variant Classification Scheme 2023. Collection method: clinical testing. Allele origin: germline.

Labcorp Genetics (formerly Invitae), Labcorp
Classification: Uncertain significance for Hypertrophic cardiomyopathy 1. Last evaluated: 2018-10-23. Review status: criteria provided, single submitter. Criteria: Invitae Variant Classification Sherloc (09022015). Collection method: clinical testing. Allele origin: germline.
Comment: In summary, the available evidence is currently insufficient to determine the role of this variant in disease. Therefore, it has been classified as a Variant of Uncertain Significance. Algorithms developed to predict the effect of missense changes on protein structure and function are either unavailable or do not agree on the potential impact of this missense change (SIFT: "Deleterious"; PolyPhen-2: "Probably Damaging"; Align-GVGD: "Class C15"). This variant has not been reported in the literature in individuals with MYLK2-related disease. This variant is not present in population databases (ExAC no frequency). This sequence change replaces tryptophan with arginine at codon 499 of the MYLK2 protein (p.Trp499Arg). The tryptophan residue is highly conserved and there is a moderate physicochemical difference between tryptophan and arginine.